The following is an entry in ClinVar:

NM_054012.4(ASS1):c.1153C>G (p.Pro385Ala)

Gene: ASS1 (argininosuccinate synthase 1; plus strand). Cytogenetic location: 9q34.11.
Variant type: single nucleotide variant.
Coding change: c.1153C>G on transcript NM_054012.4 (MANE Select); coding-DNA position 1153, C replaced by G.
Protein change: p.Pro385Ala; replaces proline 385 with alanine.
Molecular consequence: missense variant.
Genome position (GRCh38, 1-based): chr9:130,499,530, C>G. VCF-style: chr9-130499530-C-G. GRCh37 (hg19) VCF-style: chr9-133374917-C-G.
Other names: c.1153C>G, p.Pro385Ala (NM_000050.4); short protein forms P385A.
Identifiers: ClinVar variation 2146456 (VCV002146456.4), dbSNP rs775691183, ClinGen allele CA5283659.

ClinVar aggregate classification (germline): Uncertain significance. Review status: criteria provided, multiple submitters, no conflicts (2 of 4 stars). 2 submissions from 2 submitters: Uncertain significance (2). Last evaluated 2024-11-05.

Conditions:
Inborn genetic diseases. Identifiers: MedGen C0950123, MeSH D030342.
Citrullinemia. Identifiers: Orphanet 187, MedGen C0175683, MONDO:0015991.

Allele frequency attached by ClinVar (database versions not stated): ExAC 0.00001; gnomAD 0.00001; gnomAD exomes 0.00001.
gnomAD v4.1: 5 of 1,613,716 alleles (0.00031%); highest among the groups gnomAD compares: Admixed American, 0.005%; no homozygotes.

Submissions (2):

Labcorp Genetics (formerly Invitae), Labcorp
Classification: Uncertain significance for Citrullinemia. Last evaluated: 2024-11-05. Review status: criteria provided, single submitter. Criteria: Invitae Variant Classification Sherloc (09022015). Collection method: clinical testing. Allele origin: germline.
Comment: This sequence change replaces proline, which is neutral and non-polar, with alanine, which is neutral and non-polar, at codon 385 of the ASS1 protein (p.Pro385Ala). This variant is present in population databases (rs775691183, gnomAD 0.003%). This variant has not been reported in the literature in individuals affected with ASS1-related conditions. ClinVar contains an entry for this variant (Variation ID: 2146456). Invitae Evidence Modeling of protein sequence and biophysical properties (such as structural, functional, and spatial information, amino acid conservation, physicochemical variation, residue mobility, and thermodynamic stability) indicates that this missense variant is not expected to disrupt ASS1 protein function with a negative predictive value of 80%. In summary, the available evidence is currently insufficient to determine the role of this variant in disease. Therefore, it has been classified as a Variant of Uncertain Significance.

Ambry Genetics
Classification: Uncertain significance for Inborn genetic diseases. Last evaluated: 2023-12-19. Review status: criteria provided, single submitter. Criteria: Ambry Variant Classification Scheme 2023. Collection method: clinical testing. Allele origin: germline.